The following is an entry in ClinVar:

NM_001006658.3(CR2):c.445+7A>T

Gene: CR2 (complement C3d receptor 2; plus strand). Cytogenetic location: 1q32.2.
Variant type: single nucleotide variant.
Coding change: c.445+7A>T on transcript NM_001006658.3 (MANE Select); 7 bases into the intron after coding-DNA position 445, A replaced by T.
Molecular consequence: intron variant.
Genome position (GRCh38, 1-based): chr1:207,466,919, A>T. VCF-style: chr1-207466919-A-T. GRCh37 (hg19) VCF-style: chr1-207640264-A-T.
Other names: c.445+7A>T (NM_001877.5).
Identifiers: ClinVar variation 4798632 (VCV004798632.1).
Genomic context (GRCh38, chr1:207,466,919, plus strand): 5'-GGTGTCAAGCAAATAATATGTGGGGGCCGACACGACTACCAACCTGTGTAAGTGGTGAGT[A>T]TGAAAAGAAAGCTGGGTTGGGAGGTTGGGGTCTTGCCTTTCTGTGCAGACCACGTTTTGT-3'

ClinVar aggregate classification (germline): Uncertain significance (1 of 4 stars; one submission).

Conditions:
Immunodeficiency, common variable, 7. Identifiers: Orphanet 1572, Orphanet 696894, MedGen C3542922, MONDO:0013862, OMIM 614699.

gnomAD v4.1: 3 of 1,574,640 alleles (0.00019%); highest among the groups gnomAD compares: Non-Finnish European, 0.00026%; no homozygotes.

Submission:

Labcorp Genetics (formerly Invitae), Labcorp
Classification: Uncertain significance for Immunodeficiency, common variable, 7. Last evaluated: 2026-01-21. Review status: criteria provided, single submitter. Criteria: Invitae Variant Classification Sherloc (09022015). Collection method: clinical testing. Allele origin: germline.
Comment: This sequence change falls in intron 2 of the CR2 gene. It does not directly change the encoded amino acid sequence of the CR2 protein. This variant is not present in population databases (gnomAD no frequency). This variant has not been reported in the literature in individuals affected with CR2-related conditions. Algorithms developed to predict the effect of sequence changes on RNA splicing suggest that this variant may create or strengthen a splice site. In summary, the available evidence is currently insufficient to determine the role of this variant in disease. Therefore, it has been classified as a Variant of Uncertain Significance.